The following is an entry in ClinVar:

NM_001292034.3(TAB2):c.1720C>T (p.Arg574Ter)

Gene: TAB2 (TGF-beta activated kinase 1 (MAP3K7) binding protein 2; plus strand). Cytogenetic location: 6q25.1.
Variant type: single nucleotide variant.
Coding change: c.1720C>T on transcript NM_001292034.3 (MANE Select); coding-DNA position 1720, C replaced by T.
Protein change: p.Arg574Ter; replaces arginine 574 with a stop codon.
Molecular consequence: nonsense.
Genome position (GRCh38, 1-based): chr6:149,397,720, C>T. VCF-style: chr6-149397720-C-T. GRCh37 (hg19) VCF-style: chr6-149718856-C-T.
Other names: c.1624C>T, p.Arg542Ter (NM_001292035.3); c.1720C>T, p.Arg574Ter (NM_001369506.1, NM_015093.6); short protein forms R542*, R574*.
Identifiers: ClinVar variation 3357774 (VCV003357774.3).

ClinVar aggregate classification (germline): Likely pathogenic. Review status: criteria provided, multiple submitters, no conflicts (2 of 4 stars). 3 submissions from 3 submitters: Likely pathogenic (2). 1 of the submissions does not count toward it. Last evaluated 2024-05-22.

Conditions:
Congenital heart defects, multiple types, 2 (CHTD2). Also called: Congenital heart defects, nonsyndromic, 2. Identifiers: Orphanet 664401, MedGen C3554279, MONDO:0014000, OMIM 614980.
TAB2-related disorder.

Submissions (3):

Blueprint Genetics
Classification: Likely pathogenic for TAB2-related disorders. Last evaluated: 2024-05-22. Review status: criteria provided, single submitter. Criteria: ACMG Guidelines, 2015. Collection method: clinical testing. Allele origin: germline. Affected: yes. Observed: 1 variant allele.

Laboratorio de Genetica e Diagnostico Molecular, Hospital Israelita Albert Einstein
Classification: Likely pathogenic for Congenital heart defects, multiple types, 2. Last evaluated: 2024-04-30. Review status: criteria provided, single submitter. Criteria: ACMG Guidelines, 2015. Collection method: clinical testing. Allele origin: germline. Affected: yes.
Comment: ACMG classification criteria: PVS1 very strong, PM2 supporting

PreventionGenetics, part of Exact Sciences
Classification: Likely pathogenic for TAB2-related condition. Last evaluated: 2024-08-26. Review status: no assertion criteria provided. Collection method: clinical testing. Allele origin: germline. Not counted in ClinVar's aggregate classification.
Comment: The TAB2 c.1720C>T variant is predicted to result in premature protein termination (p.Arg574*). To our knowledge, this variant has not been reported in the literature or in a large population database, indicating this variant is rare. Nonsense variants in TAB2 are expected to be pathogenic. This variant is interpreted as likely pathogenic.